The following is an entry in ClinVar:

ClinVar aggregate classification (germline): Likely benign (0 of 4 stars; one submission).

Conditions:
MDN1-related disorder. Also called: MDN1-related condition.

Allele frequency attached by ClinVar (database versions not stated): gnomAD exomes 0.00003; TOPMed 0.00005; ExAC 0.00019; 1000 Genomes Project 30x 0.00047; 1000 Genomes Project 0.00060.
gnomAD v4.1: 51 of 1,612,398 alleles (0.0032%); highest among the groups gnomAD compares: East Asian, 0.094%; no homozygotes.

Submission:

PreventionGenetics, part of Exact Sciences
Classification: Likely benign for MDN1-related condition. Last evaluated: 2019-06-18. Review status: no assertion criteria provided. Collection method: clinical testing. Allele origin: germline.
Comment: This variant is classified as likely benign based on ACMG/AMP sequence variant interpretation guidelines (Richards et al. 2015 PMID: 25741868, with internal and published modifications).

NM_014611.3(MDN1):c.12646-6T>C

Genes: MDN1 (midasin AAA ATPase 1; minus strand), MDN1-AS1 (MDN1 antisense RNA 1; plus strand). Cytogenetic location: 6q15.
Variant type: single nucleotide variant.
Coding change: c.12646-6T>C on transcript NM_014611.3 (MANE Select); 6 bases into the intron before coding-DNA position 12646, T replaced by C.
Molecular consequence: intron variant. On other transcripts: non-coding transcript variant (1).
Genome position (GRCh38, 1-based): chr6:89,675,585, A>G on the plus strand (T>C on the coding strand, the complement: MDN1 is on the minus strand). VCF-style: chr6-89675585-A-G. GRCh37 (hg19) VCF-style: chr6-90385304-A-G.
Identifiers: ClinVar variation 3033690 (VCV003033690.2), dbSNP rs183716658, ClinGen allele CA3922983.